The following is an entry in ClinVar:

ClinVar aggregate classification (germline): Uncertain significance (1 of 4 stars; one submission).

Submission:

Labcorp Genetics (formerly Invitae), Labcorp
Classification: Uncertain significance. Last evaluated: 2024-11-12. Review status: criteria provided, single submitter. Criteria: Invitae Variant Classification Sherloc (09022015). Collection method: clinical testing. Allele origin: germline.
Comment: This sequence change replaces threonine, which is neutral and polar, with proline, which is neutral and non-polar, at codon 350 of the ANXA11 protein (p.Thr350Pro). This variant is not present in population databases (gnomAD no frequency). This variant has not been reported in the literature in individuals affected with ANXA11-related conditions. An algorithm developed to predict the effect of missense changes on protein structure and function (PolyPhen-2) suggests that this variant is likely to be tolerated. In summary, the available evidence is currently insufficient to determine the role of this variant in disease. Therefore, it has been classified as a Variant of Uncertain Significance.

NM_145868.2(ANXA11):c.1048A>C (p.Thr350Pro)

Gene: ANXA11 (annexin A11; minus strand). Cytogenetic location: 10q22.3.
Variant type: single nucleotide variant.
Coding change: c.1048A>C on transcript NM_145868.2 (MANE Select); coding-DNA position 1048, A replaced by C.
Protein change: p.Thr350Pro; replaces threonine 350 with proline.
Molecular consequence: missense variant.
Genome position (GRCh38, 1-based): chr10:80,163,387, T>G on the plus strand (A>C on the coding strand, the complement: ANXA11 is on the minus strand). VCF-style: chr10-80163387-T-G. GRCh37 (hg19) VCF-style: chr10-81923143-T-G.
Other names: c.1048A>C, p.Thr350Pro (NM_001157.3, NM_001278407.2, NM_001278408.2 and 1 more transcripts); c.949A>C, p.Thr317Pro (NM_001278409.2); short protein forms T350P, T317P.
Identifiers: ClinVar variation 3676361 (VCV003676361.2).